The following is an entry in ClinVar:

ClinVar aggregate classification (germline): Pathogenic/Likely pathogenic. Review status: criteria provided, multiple submitters, no conflicts (2 of 4 stars). 4 submissions from 4 submitters: Pathogenic (3); Likely pathogenic (1). Last evaluated 2026-07-22.

Conditions:
Cholesteryl ester storage disease (CESD). Also called: Childhood/Adult-Onset LAL-D (Cholesterol Ester Storage Disease [CESD]). Identifiers: Orphanet 75234, MedGen C0008384, MONDO:0019149, OMIM 278000.
Wolman disease (WOLD). Also called: Acid cholesteryl ester hydrolase deficiency, Wolman type; Acid lipase disease; LYSOSOMAL ACID LIPASE DEFICIENCY, ACUTE INFANTILE; LYSOSOMAL ACID LIPASE DEFICIENCY, COMPLETE; LIPA DEFICIENCY, COMPLETE; LAL DEFICIENCY, COMPLETE. Identifiers: Orphanet 75233, MedGen C0043208, MONDO:0019148, OMIM 620151.
Lysosomal acid lipase deficiency. Also called: Acid cholesteryl ester hydrolase deficiency, type 2. Identifiers: Orphanet 275761, MedGen C5574740, MONDO:0800449, MONDO:0010204.

Submissions (4):

Myriad Genetics, Inc.
Classification: Likely pathogenic for Lysosomal acid lipase deficiency. Last evaluated: 2026-07-22. Review status: criteria provided, single submitter. Criteria: Myriad Autosomal Dominant, Autosomal Recessive and X-Linked Classification Criteria (2023). Collection method: clinical testing. Allele origin: unknown.
Comment: NM_000235.2(LIPA):c.1055_1057delACG(D352del) is an in-frame deletion classified as likely pathogenic in the context of lysosomal acid lipase deficiency. D352del has been observed in cases with relevant disease (PMID: 28220406, 37291213, 37470904, 27624512). Relevant functional assessments of this variant are not available in the literature. D352del has been observed in referenced population frequency databases. In summary, NM_000235.2(LIPA):c.1055_1057delACG(D352del) is an in-frame deletion in a gene where loss of function is a known mechanism of disease, is predicted to disrupt protein function, and has been observed more frequently in cases with the relevant disease than in healthy populations. Please note: this variant was assessed in the context of healthy population screening.

Labcorp Genetics (formerly Invitae), Labcorp
Classification: Pathogenic for Wolman disease. Last evaluated: 2025-12-23. Review status: criteria provided, single submitter. Criteria: Invitae Variant Classification Sherloc (09022015). Collection method: clinical testing. Allele origin: germline.
Comment: This variant, c.1055_1057del, results in the deletion of 1 amino acid(s) of the LIPA protein (p.Asp352del), but otherwise preserves the integrity of the reading frame. This variant is present in population databases (rs767207643, gnomAD 0.0009%). This variant has been observed in individual(s) with cholesteryl ester storage disorder and/or lysosomal acid lipase deficiency (LAL) (PMID: 27624512, 28220406; internal data). In at least one individual the data is consistent with being in trans (on the opposite chromosome) from a pathogenic variant. ClinVar contains an entry for this variant (Variation ID: 937141). For these reasons, this variant has been classified as Pathogenic.

Natera, Inc.
Classification: Pathogenic for Lysosomal acid lipase deficiency. Last evaluated: 2025-06-12. Review status: criteria provided, single submitter. Criteria: Natera Variant Classification Schema (03/2026). Collection method: clinical testing. Allele origin: germline.
Comment: The c.1055_1057delACG variant in LIPA is an in-frame deletion predicted to remove aspartic acid at amino acid 352 while preserving the reading frame. This variant is rare in the general population with a frequency below the threshold expected for the associated phenotype(s). This variant has been observed in one or more individuals affected with the associated recessive disease, as either homozygous or compound heterozygous with a second variant (PMID: 37470904). This variant results in a change to the protein length while preserving reading frame, which may disrupt normal protein structure or function. Computational prediction algorithms indicate this variant is likely to affect gene or protein function. Given the available evidence, this variant is classified as Pathogenic.

Victorian Clinical Genetics Services, Murdoch Childrens Research Institute
Classification: Pathogenic for Cholesteryl ester storage disease. Last evaluated: 2024-09-20. Review status: criteria provided, single submitter. Criteria: ACMG Guidelines, 2015. Collection method: clinical testing. Allele origin: germline. Inheritance: Autosomal recessive inheritance. Affected: yes.
Comment: Based on the classification scheme VCGS_Germline_v1.3.4, this variant is classified as Pathogenic. Following criteria are met: 0102 - Loss of function is a known mechanism of disease in this gene and is associated with cholesteryl ester storage disease (CEST) and Wolman disease (MIM#278000). (I) 0106 - This gene is associated with autosomal recessive disease. (I) 0213 - In-frame deletion in a non-repetitive region that has high conservation. (SP) 0251 - This variant is heterozygous. (I) 0304 - Variant is present in gnomAD (v2) <0.01 for a recessive condition (1 heterozygote, 0 homozygotes). (SP) 0600 - Variant is located in the annotated AB hydrolase-1 domain (DECIPHER). (I) 0705 - No comparable in-frame deletion variants have previous evidence for pathogenicity. (I) 0801 - This variant has strong previous evidence of pathogenicity in unrelated individuals. This variant has been described as homozygous in two individuals with Wolman disease, and along with a second variant in two individuals with lysosomal acid lipase deficiency (LAL-D) or cholesteryl ester storage disorder (CESD), although the phasing of the variants was not confirmed in either case (PMID: 37470904, 27624512, 28220406). This variant was also reported in a poster abstract in an individual with late-onset LAL-D (Antwi et al 2021), and has been reported as a VUS and as likely pathogenic in ClinVar. (SP) 0905 - No published segregation evidence has been identified for this variant. (I) 1007 - No published functional evidence has been identified for this variant. (I) Legend: (SP) - Supporting pathogenic, (I) - Information, (SB) - Supporting benign

Literature cited by the submitters: PubMed 27624512 (cited by 3 submitters); PubMed 28220406 (cited by 3 submitters); PubMed 37291213 (cited by Myriad Genetics, Inc.); PubMed 37470904 (cited by 3 submitters).

NM_000235.4(LIPA):c.1052ACG[1] (p.Asp352del)

Gene: LIPA (lipase A, lysosomal acid type; minus strand). Cytogenetic location: 10q23.31.
Variant type: Microsatellite.
Coding change: c.1052ACG[1] on transcript NM_000235.4 (MANE Select); one copy of the 3-base unit ACG starting at c.1052; the reference has two copies in a row; one copy, 3 bases deleted; also written c.1055_1057del.
Protein change: p.Asp352del; deletes aspartic acid 352.
Molecular consequence: inframe deletion.
Genome position (GRCh38, 1-based): chr10:89,214,971-89,214,973, CGT deleted on the plus strand (ACG on the coding strand, the reverse complement: LIPA is on the minus strand); deleting any 3 consecutive bases within chr10:89,214,971-89,214,976 gives the same sequence; the position shown is the placement nearest the transcript's 3' end. VCF-style (leftmost placement, unchanged base first): chr10-89214970-ACGT-A. GRCh37 (hg19) VCF-style: chr10-90974727-ACGT-A.
Other names: c.1052ACG[1], p.Asp352del (NM_001127605.3); c.704ACG[1], p.Asp236del (NM_001288979.2); c.1055_1057delACG (NM_000235.3); c.1055_1057del (NM_000235.4); short protein forms D236del, D352del.
Identifiers: ClinVar variation 937141 (VCV000937141.16), dbSNP rs767207643, ClinGen allele CA5593516.
Genomic context (GRCh38, chr10:89,214,970, plus strand): 5'-TCCCATTCCGGAATGCTCTCATGGAACACCAAGTTGGTGATCTGAGTCAGTAAGATATTG[ACGT>A]CGTAGACATCTGCAAGCCAGTCGTGACCCCCGCTCCAGACTGCAGTCGGCACAAGCATGT-3'